The following is an entry in ClinVar:

ClinVar aggregate classification (germline): Uncertain significance (1 of 4 stars; one submission).

Conditions:
Dyskeratosis congenita. Identifiers: Orphanet 1775, MedGen C0265965, MONDO:0015780.

Submission:

Ambry Genetics
Classification: Uncertain significance for Dyskeratosis congenita. Last evaluated: 2025-05-11. Review status: criteria provided, single submitter. Criteria: Ambry Variant Classification Scheme 2023. Collection method: clinical testing. Allele origin: germline.
Comment: The p.L360V variant (also known as c.1078C>G), located in coding exon 2 of the TERT gene, results from a C to G substitution at nucleotide position 1078. The leucine at codon 360 is replaced by valine, an amino acid with highly similar properties. This amino acid position is conserved. In addition, this alteration is predicted to be deleterious by in silico analysis. Based on the available evidence, the clinical significance of this variant remains unclear.

NM_198253.3(TERT):c.1078C>G (p.Leu360Val)

Gene: TERT (telomerase reverse transcriptase; minus strand). Cytogenetic location: 5p15.33.
Variant type: single nucleotide variant.
Coding change: c.1078C>G on transcript NM_198253.3 (MANE Select); coding-DNA position 1078, C replaced by G.
Protein change: p.Leu360Val; replaces leucine 360 with valine.
Molecular consequence: missense variant. On other transcripts: non-coding transcript variant (2).
Genome position (GRCh38, 1-based): chr5:1,293,808, G>C on the plus strand (C>G on the coding strand, the complement: TERT is on the minus strand). VCF-style: chr5-1293808-G-C. GRCh37 (hg19) VCF-style: chr5-1293923-G-C.
Other names: c.1078C>G, p.Leu360Val (NM_001193376.3); short protein forms L360V.
Identifiers: ClinVar variation 3967316 (VCV003967316.1).